The following is an entry in ClinVar:

ClinVar aggregate classification (germline): Uncertain significance (1 of 4 stars; one submission).

Allele frequency attached by ClinVar (database versions not stated): gnomAD exomes 0.00001; TOPMed 0.00001; ExAC 0.00002; gnomAD 0.00003.
gnomAD v4.1: 18 of 1,608,178 alleles (0.0011%); highest among the groups gnomAD compares: Middle Eastern, 0.068%; no homozygotes.

Submission:

Labcorp Genetics (formerly Invitae), Labcorp
Classification: Uncertain significance. Last evaluated: 2025-02-24. Review status: criteria provided, single submitter. Criteria: Invitae Variant Classification Sherloc (09022015). Collection method: clinical testing. Allele origin: germline.
Comment: This sequence change replaces aspartic acid, which is acidic and polar, with glycine, which is neutral and non-polar, at codon 239 of the MED17 protein (p.Asp239Gly). This variant is present in population databases (rs745613598, gnomAD 0.003%). This variant has not been reported in the literature in individuals affected with MED17-related conditions. ClinVar contains an entry for this variant (Variation ID: 2146709). Invitae Evidence Modeling of protein sequence and biophysical properties (such as structural, functional, and spatial information, amino acid conservation, physicochemical variation, residue mobility, and thermodynamic stability) indicates that this missense variant is not expected to disrupt MED17 protein function with a negative predictive value of 80%. In summary, the available evidence is currently insufficient to determine the role of this variant in disease. Therefore, it has been classified as a Variant of Uncertain Significance.

NM_004268.5(MED17):c.716A>G (p.Asp239Gly)

Gene: MED17 (mediator complex subunit 17; plus strand). Cytogenetic location: 11q21.
Variant type: single nucleotide variant.
Coding change: c.716A>G on transcript NM_004268.5 (MANE Select); coding-DNA position 716, A replaced by G.
Protein change: p.Asp239Gly; replaces aspartic acid 239 with glycine.
Molecular consequence: missense variant.
Genome position (GRCh38, 1-based): chr11:93,793,806, A>G. VCF-style: chr11-93793806-A-G. GRCh37 (hg19) VCF-style: chr11-93526972-A-G.
Other names: short protein forms D239G.
Identifiers: ClinVar variation 2146709 (VCV002146709.2), dbSNP rs745613598, ClinGen allele CA6232398.